The following is an entry in ClinVar:

NM_001145026.2(PTPRQ):c.6560C>T (p.Ala2187Val)

Gene: PTPRQ (protein tyrosine phosphatase receptor type Q; plus strand). Cytogenetic location: 12q21.31.
Variant type: single nucleotide variant.
Coding change: c.6560C>T on transcript NM_001145026.2 (MANE Select); coding-DNA position 6560, C replaced by T.
Protein change: p.Ala2187Val; replaces alanine 2187 with valine.
Molecular consequence: missense variant.
Genome position (GRCh38, 1-based): chr12:80,670,450, C>T. VCF-style: chr12-80670450-C-T. GRCh37 (hg19) VCF-style: chr12-81064229-C-T.
Other names: short protein forms A2187V.
Identifiers: ClinVar variation 5037752 (VCV005037752.1).
Genomic context (GRCh38, chr12:80,670,450, plus strand): 5'-CAGAGCATGGGGTTCCTGAGAACAGCGCCCCTCTAATTCACTTTGTGAAGTTGGTTCGAG[C>T]AAGCAGGGCACATGACACCACACCTATGATTGTTCACTGCAGGTGAGAAAGTGATCAGAA-3'
Protein context (NP_001138498.1, residues 2177-2197): PLIHFVKLVR[Ala2187Val]SRAHDTTPMI

ClinVar aggregate classification (germline): Uncertain significance (1 of 4 stars; one submission).

gnomAD v4.1: 28 of 1,551,094 alleles (0.0018%); highest among the groups gnomAD compares: East Asian, 0.068%; no homozygotes.

Submission:

GeneDx
Classification: Uncertain significance. Last evaluated: 2026-04-24. Review status: criteria provided, single submitter. Criteria: GeneDx Variant Classification Process June 2021. Collection method: clinical testing. Allele origin: germline.
Comment: In silico analysis supports that this missense variant has a deleterious effect on protein structure/function; Has not been previously published as pathogenic or benign to our knowledge